The following is an entry in ClinVar:

ClinVar aggregate classification (germline): Uncertain significance (1 of 4 stars; one submission).

Allele frequency attached by ClinVar (database versions not stated): ExAC 0.00002; TOPMed 0.00002; gnomAD exomes 0.00005.
gnomAD v4.1: 21 of 1,614,196 alleles (0.0013%); highest among the groups gnomAD compares: Admixed American, 0.02%; no homozygotes.

Submission:

Labcorp Genetics (formerly Invitae), Labcorp
Classification: Uncertain significance. Last evaluated: 2021-09-17. Review status: criteria provided, single submitter. Criteria: Invitae Variant Classification Sherloc (09022015). Collection method: clinical testing. Allele origin: germline.
Comment: This sequence change replaces arginine with histidine at codon 85 of the HMOX1 protein (p.Arg85His). The arginine residue is highly conserved and there is a small physicochemical difference between arginine and histidine. This variant is present in population databases (rs766527808, ExAC 0.02%). This variant has not been reported in the literature in individuals affected with HMOX1-related conditions. Algorithms developed to predict the effect of missense changes on protein structure and function (SIFT, PolyPhen-2, Align-GVGD) all suggest that this variant is likely to be disruptive. In summary, the available evidence is currently insufficient to determine the role of this variant in disease. Therefore, it has been classified as a Variant of Uncertain Significance.

NM_002133.3(HMOX1):c.254G>A (p.Arg85His)

Gene: HMOX1 (heme oxygenase 1; plus strand). Cytogenetic location: 22q12.3.
Variant type: single nucleotide variant.
Coding change: c.254G>A on transcript NM_002133.3 (MANE Select); coding-DNA position 254, G replaced by A.
Protein change: p.Arg85His; replaces arginine 85 with histidine.
Molecular consequence: missense variant.
Genome position (GRCh38, 1-based): chr22:35,386,794, G>A. VCF-style: chr22-35386794-G-A. GRCh37 (hg19) VCF-style: chr22-35782787-G-A.
Other names: short protein forms R85H.
Identifiers: ClinVar variation 1421201 (VCV001421201.5), dbSNP rs766527808, ClinGen allele CA10204671.